The following is an entry in ClinVar:

ClinVar aggregate classification (germline): Uncertain significance (1 of 4 stars; one submission).

Submission:

GeneDx
Classification: Uncertain significance. Last evaluated: 2020-07-31. Review status: criteria provided, single submitter. Criteria: GeneDx Variant Classification Process June 2021. Collection method: clinical testing. Allele origin: germline. Affected: yes.
Comment: Not observed in large population cohorts (Lek et al., 2016); In silico analysis, which includes protein predictors and evolutionary conservation, supports a deleterious effect; Has not been previously published as pathogenic or benign to our knowledge

NM_006593.4(TBR1):c.663A>C (p.Gln221His)

Gene: TBR1 (T-box brain transcription factor 1; plus strand). Cytogenetic location: 2q24.2.
Variant type: single nucleotide variant.
Coding change: c.663A>C on transcript NM_006593.4 (MANE Select); coding-DNA position 663, A replaced by C.
Protein change: p.Gln221His; replaces glutamine 221 with histidine.
Molecular consequence: missense variant.
Genome position (GRCh38, 1-based): chr2:161,417,073, A>C. VCF-style: chr2-161417073-A-C. GRCh37 (hg19) VCF-style: chr2-162273584-A-C.
Other names: short protein forms Q221H.
Identifiers: ClinVar variation 1307229 (VCV001307229.2), dbSNP rs2105278588, ClinGen allele CA349211896.
Genomic context (GRCh38, chr2:161,417,073, plus strand): 5'-CGGCAAAGCACAGGTGTACCTGTGCAACAGGCCCCTTTGGCTGAAATTTCACCGGCACCA[A>C]ACGGAGATGATCATCACCAAACAGGGAAGGTAATACTACATTTTTGGCTGCCGCTGCTCT-3'
Protein context (NP_006584.1, residues 211-231): RPLWLKFHRH[Gln221His]TEMIITKQGR